The following is an entry in ClinVar:

ClinVar aggregate classification (germline): Uncertain significance (1 of 4 stars; one submission).

gnomAD v4.1: 1 of 1,509,102 alleles (0.000066%); highest among the groups gnomAD compares: Non-Finnish European, 0.000088%; no homozygotes.

Submission:

Ambry Genetics
Classification: Uncertain significance. Last evaluated: 2025-08-01. Review status: criteria provided, single submitter. Criteria: Ambry Variant Classification Scheme 2023. Collection method: clinical testing. Allele origin: germline.
Comment: The p.A101S variant (also known as c.301G>T), located in coding exon 1 of the PALLD gene, results from a G to T substitution at nucleotide position 301. The alanine at codon 101 is replaced by serine, an amino acid with similar properties. This amino acid position is conserved. In addition, this alteration is predicted to be tolerated by in silico analysis. Based on the available evidence, the clinical significance of this variant remains unclear.

NM_001166108.2(PALLD):c.1965-12730G>T

Gene: PALLD (palladin, cytoskeletal associated protein; plus strand). Cytogenetic location: 4q32.3.
Variant type: single nucleotide variant.
Coding change: c.1965-12730G>T on transcript NM_001166108.2 (MANE Select); 12730 bases into the intron before coding-DNA position 1965, G replaced by T.
Molecular consequence: intron variant. On other transcripts: missense variant (1).
Genome position (GRCh38, 1-based): chr4:168,878,192, G>T. VCF-style: chr4-168878192-G-T. GRCh37 (hg19) VCF-style: chr4-169799343-G-T.
Other names: c.301G>T, p.Ala101Ser (NM_001166110.2); c.1965-12730G>T (NM_016081.4); c.819-12730G>T (NM_001166109.2); c.-157-12730G>T (NM_001367570.1, NM_001367568.1, NM_001367567.1 and 1 more transcripts); short protein forms A101S.
Identifiers: ClinVar variation 4130419 (VCV004130419.1).